The following is an entry in ClinVar:

ClinVar aggregate classification (germline): Pathogenic/Likely pathogenic. Review status: criteria provided, multiple submitters, no conflicts (2 of 4 stars). 4 submissions from 4 submitters: Pathogenic (2); Likely pathogenic (2). Last evaluated 2025-09-04.

Conditions:
Autosomal dominant nonsyndromic hearing loss 22. Also called: Autosomal dominant nonsyndromic deafness 22; DFNA 22. Identifiers: Orphanet 228012, MedGen C2931767, MONDO:0011660, OMIM 606346.

Allele frequency attached by ClinVar (database versions not stated): gnomAD exomes below 0.00001; ExAC 0.00001; gnomAD 0.00001.
gnomAD v4.1: 3 of 1,613,468 alleles (0.00019%); highest among the groups gnomAD compares: Non-Finnish European, 0.00025%; no homozygotes.

Submissions (4):

Human Genetics Bochum, Ruhr University Bochum
Classification: Likely pathogenic for Autosomal dominant nonsyndromic hearing loss 22. Last evaluated: 2025-09-04. Review status: criteria provided, single submitter. Criteria: ACMG Guidelines, 2015. Collection method: clinical testing. Allele origin: germline. Affected: yes.
Comment: ACMG criteria used to clasify this variant: PVS1, PM2_SUP

Labcorp Genetics (formerly Invitae), Labcorp
Classification: Pathogenic. Last evaluated: 2024-01-26. Review status: criteria provided, single submitter. Criteria: Invitae Variant Classification Sherloc (09022015). Collection method: clinical testing. Allele origin: germline.
Comment: This sequence change creates a premature translational stop signal (p.Arg387*) in the MYO6 gene. It is expected to result in an absent or disrupted protein product. Loss-of-function variants in MYO6 are known to be pathogenic (PMID: 12687499, 18348273, 23767834, 25999546, 30582396). This variant is present in population databases (rs766700803, gnomAD 0.0009%). This variant has not been reported in the literature in individuals affected with MYO6-related conditions. ClinVar contains an entry for this variant (Variation ID: 620495). For these reasons, this variant has been classified as Pathogenic.

GeneDx
Classification: Likely pathogenic. Last evaluated: 2018-12-13. Review status: criteria provided, single submitter. Criteria: GeneDx Variant Classification (06012015). Collection method: clinical testing. Allele origin: germline. Affected: yes.
Comment: The R387X variant has not been published as a pathogenic variant, nor has it been reported as a benign variant to our knowledge. The variant is not observed in large population cohorts (Lek et al., 2016). It is predicted to cause loss of normal protein function either through protein truncation or nonsense-mediated mRNA decay. We consider this variant to be likely pathogenic.

Clinical Genetics Service, Universitary Hospital 12 de Octubre
Classification: Pathogenic for Autosomal dominant nonsyndromic hearing loss 22. Review status: criteria provided, single submitter. Criteria: ACMG Guidelines, 2015. Collection method: clinical testing. Allele origin: paternal. Affected: yes.

Literature cited by the submitters: PubMed 12687499 (cited by Labcorp Genetics (formerly Invitae), Labcorp); PubMed 18348273 (cited by Labcorp Genetics (formerly Invitae), Labcorp); PubMed 23767834 (cited by Labcorp Genetics (formerly Invitae), Labcorp); PubMed 25999546 (cited by Labcorp Genetics (formerly Invitae), Labcorp); PubMed 30582396 (cited by Labcorp Genetics (formerly Invitae), Labcorp).

NM_004999.4(MYO6):c.1159C>T (p.Arg387Ter)

Gene: MYO6 (myosin VI; plus strand). Cytogenetic location: 6q14.1.
Variant type: single nucleotide variant.
Coding change: c.1159C>T on transcript NM_004999.4 (MANE Select); coding-DNA position 1159, C replaced by T.
Protein change: p.Arg387Ter; replaces arginine 387 with a stop codon.
Molecular consequence: nonsense. On other transcripts: non-coding transcript variant (1).
Genome position (GRCh38, 1-based): chr6:75,855,219, C>T. VCF-style: chr6-75855219-C-T. GRCh37 (hg19) VCF-style: chr6-76564936-C-T.
Other names: c.1159C>T, p.Arg387Ter (NM_001300899.2, NM_001368136.1, NM_001368137.1 and 2 more transcripts); c.1144C>T, p.Arg382Ter (NM_001368138.1); short protein forms R387*, R382*.
Identifiers: ClinVar variation 620495 (VCV000620495.7), dbSNP rs766700803, ClinGen allele CA3897055.
Genomic context (GRCh38, chr6:75,855,219, plus strand): 5'-AAATCTGCTCAGTCTTTGGAATATTGTGCTGAATTACTGGGTTTGGACCAAGATGATCTT[C>T]GAGTAAGTTTGACCACAAGAGTCATGCTAACAACAGCAGGGGGCACCAAAGGAACAGTTA-3'